The following is an entry in ClinVar:

NM_012233.3(RAB3GAP1):c.2810G>A (p.Arg937Gln)

Gene: RAB3GAP1 (RAB3 GTPase activating protein catalytic subunit 1; plus strand). Cytogenetic location: 2q21.3.
Variant type: single nucleotide variant.
Coding change: c.2810G>A on transcript NM_012233.3 (MANE Select); coding-DNA position 2810, G replaced by A.
Protein change: p.Arg937Gln; replaces arginine 937 with glutamine.
Molecular consequence: missense variant.
Genome position (GRCh38, 1-based): chr2:135,168,645, G>A. VCF-style: chr2-135168645-G-A. GRCh37 (hg19) VCF-style: chr2-135926215-G-A.
Other names: c.2831G>A, p.Arg944Gln (NM_001172435.2); short protein forms R937Q, R944Q.
Identifiers: ClinVar variation 211981 (VCV000211981.7), dbSNP rs762181144, ClinGen allele CA206767.

ClinVar aggregate classification (germline): Uncertain significance. Review status: criteria provided, multiple submitters, no conflicts (2 of 4 stars). 2 submissions from 2 submitters: Uncertain significance (2). Last evaluated 2017-02-16.

Allele frequency attached by ClinVar (database versions not stated): ExAC 0.00002; gnomAD exomes 0.00002; gnomAD 0.00003; TOPMed 0.00003.
gnomAD v4.1: 27 of 1,614,082 alleles (0.0017%); highest among the groups gnomAD compares: Non-Finnish European, 0.0023%; no homozygotes.

Submissions (2):

GeneDx
Classification: Uncertain significance. Last evaluated: 2017-02-16. Review status: criteria provided, single submitter. Criteria: GeneDx Variant Classification (06012015). Collection method: clinical testing. Allele origin: germline. Affected: yes.
Comment: A variant of uncertain significance has been identified in the RAB3GAP1 gene. The R937Q variant has not been published as a pathogenic variant, nor has it been reported as a benign variant to our knowledge. The R937Q variant is not observed at a significant frequency in large population cohorts (Lek et al., 2016; 1000 Genomes Consortium et al., 2015; Exome Variant Server). The R397Q variant is a semi-conservative amino acid substitution, which may impact secondary protein structure as these residues differ in some properties. This substitution occurs at a position that is conserved across species, and in silico analysis predicts this variant is probably damaging to the protein structure/function. Based on the currently available information, it is unclear whether this variant is a pathogenic variant or a rare benign variant.

Genetic Services Laboratory, University of Chicago
Classification: Uncertain significance. Last evaluated: 2015-01-07. Review status: criteria provided, single submitter. Criteria: ACMG Guidelines, 2015. Collection method: clinical testing. Allele origin: germline.